The following is an entry in ClinVar:

NM_001378457.1(DMXL2):c.8043A>T (p.Glu2681Asp)

Gene: DMXL2 (Dmx like 2; minus strand). Cytogenetic location: 15q21.2.
Variant type: single nucleotide variant.
Coding change: c.8043A>T on transcript NM_001378457.1 (MANE Select); coding-DNA position 8043, A replaced by T.
Protein change: p.Glu2681Asp; replaces glutamic acid 2681 with aspartic acid.
Molecular consequence: missense variant. On other transcripts: non-coding transcript variant (2).
Genome position (GRCh38, 1-based): chr15:51,458,742, T>A on the plus strand (A>T on the coding strand, the complement: DMXL2 is on the minus strand). VCF-style: chr15-51458742-T-A. GRCh37 (hg19) VCF-style: chr15-51750939-T-A.
Other names: c.7980A>T (NM_001174116.1); c.7980A>T, p.Glu2660Asp (NM_001174116.3); c.6069A>T, p.Glu2023Asp (NM_001174117.3); c.8040A>T, p.Glu2680Asp (NM_001378458.1); c.7755A>T, p.Glu2585Asp (NM_001378459.1); c.5958A>T, p.Glu1986Asp (NM_001378460.1); c.7977A>T, p.Glu2659Asp (NM_015263.5); short protein forms E2023D, E2659D, E2680D, E1986D, E2660D, E2585D, E2681D.
Identifiers: ClinVar variation 2185372 (VCV002185372.3), dbSNP rs200924115, ClinGen allele CA7561173.
Genomic context (GRCh38, chr15:51,458,742, plus strand): 5'-ACTGTGTATAATGATGAGAGCTTTTACCTTATTAACAGAAAATGCCATGATCATATCAGA[T>A]TCCTTATGGATGACTTTCGCCTTTCCACCTGGATAGCCCAGATCAGCTTCAACCTAGAAA-3'
Protein context (NP_001365386.1, residues 2671-2691): PGGKAKVIHK[Glu2681Asp]SDMIMAFSVN

ClinVar aggregate classification (germline): Uncertain significance. Review status: criteria provided, multiple submitters, no conflicts (2 of 4 stars). 2 submissions from 2 submitters: Uncertain significance (2). Last evaluated 2025-06-18.

Conditions:
Inborn genetic diseases. Identifiers: MedGen C0950123, MeSH D030342.

Allele frequency attached by ClinVar (database versions not stated): gnomAD 0.00005; TOPMed 0.00006; ESP Exome Variant Server 0.00008; gnomAD exomes 0.00014; ExAC 0.00021.
gnomAD v4.1: 211 of 1,613,938 alleles (0.013%); highest among the groups gnomAD compares: Non-Finnish European, 0.017%; no homozygotes.

Submissions (2):

Ambry Genetics
Classification: Uncertain significance for Inborn genetic diseases. Last evaluated: 2025-06-18. Review status: criteria provided, single submitter. Criteria: Ambry Variant Classification Scheme 2023. Collection method: clinical testing. Allele origin: germline.

Labcorp Genetics (formerly Invitae), Labcorp
Classification: Uncertain significance. Last evaluated: 2022-08-09. Review status: criteria provided, single submitter. Criteria: Invitae Variant Classification Sherloc (09022015). Collection method: clinical testing. Allele origin: germline.
Comment: This sequence change replaces glutamic acid, which is acidic and polar, with aspartic acid, which is acidic and polar, at codon 2660 of the DMXL2 protein (p.Glu2660Asp). This variant is present in population databases (rs200924115, gnomAD 0.03%). This variant has not been reported in the literature in individuals affected with DMXL2-related conditions. Algorithms developed to predict the effect of missense changes on protein structure and function are either unavailable or do not agree on the potential impact of this missense change (SIFT: "Tolerated"; PolyPhen-2: "Probably Damaging"; Align-GVGD: "Class C0"). In summary, the available evidence is currently insufficient to determine the role of this variant in disease. Therefore, it has been classified as a Variant of Uncertain Significance.